The following is an entry in ClinVar:

NM_002332.3(LRP1):c.12084G>A (p.Thr4028=)

Gene: LRP1 (LDL receptor related protein 1; plus strand). Cytogenetic location: 12q13.3.
Variant type: single nucleotide variant.
Coding change: c.12084G>A on transcript NM_002332.3 (MANE Select); coding-DNA position 12084, G replaced by A.
Protein change: p.Thr4028=; no amino-acid change (threonine 4028 retained).
Molecular consequence: synonymous variant.
Genome position (GRCh38, 1-based): chr12:57,208,756, G>A. VCF-style: chr12-57208756-G-A. GRCh37 (hg19) VCF-style: chr12-57602539-G-A.
Identifiers: ClinVar variation 3044898 (VCV003044898.2), dbSNP rs149291689, ClinGen allele CA6645494.
Genomic context (GRCh38, chr12:57,208,756, plus strand): 5'-CTTCTCCCTCCCCAGGACCATGTACTGGTCAGACTGGGGCAACCACCCCAAGATTGAGAC[G>A]GCAGCGATGGATGGGACGCTTCGGGAGACACTGGTGCAGGACAACATTCAGTGGCCCACA-3'
Protein context (NP_002323.2, residues 4018-4038): SDWGNHPKIE[Thr4028=]AAMDGTLRET

ClinVar aggregate classification (germline): Likely benign (0 of 4 stars; one submission).

Conditions:
LRP1-related disorder. Also called: LRP1-related condition.

Allele frequency attached by ClinVar (database versions not stated): ESP Exome Variant Server 0.00038; ExAC 0.00009; 1000 Genomes Project 30x 0.00016; 1000 Genomes Project 0.00020.
gnomAD v4.1: 133 of 1,614,082 alleles (0.0082%); highest among the groups gnomAD compares: African/African-American, 0.021%; no homozygotes.

Submission:

PreventionGenetics, part of Exact Sciences
Classification: Likely benign for LRP1-related condition. Last evaluated: 2019-05-28. Review status: no assertion criteria provided. Collection method: clinical testing. Allele origin: germline.
Comment: This variant is classified as likely benign based on ACMG/AMP sequence variant interpretation guidelines (Richards et al. 2015 PMID: 25741868, with internal and published modifications).